The following is an entry in ClinVar:

NM_024537.4(CARS2):c.419C>T (p.Ala140Val)

Gene: CARS2 (cysteinyl-tRNA synthetase 2, mitochondrial; minus strand). Cytogenetic location: 13q34.
Variant type: single nucleotide variant.
Coding change: c.419C>T on transcript NM_024537.4 (MANE Select); coding-DNA position 419, C replaced by T.
Protein change: p.Ala140Val; replaces alanine 140 with valine.
Molecular consequence: missense variant. On other transcripts: 5 prime UTR variant (1), non-coding transcript variant (2).
Genome position (GRCh38, 1-based): chr13:110,687,993, G>A on the plus strand (C>T on the coding strand, the complement: CARS2 is on the minus strand). VCF-style: chr13-110687993-G-A. GRCh37 (hg19) VCF-style: chr13-111340340-G-A.
Other names: c.-581C>T (NM_001352252.2); c.419C>T, p.Ala140Val (NM_001352253.3); short protein forms A140V.
Identifiers: ClinVar variation 2096905 (VCV002096905.4), dbSNP rs1260763920, ClinGen allele CA388738858.

ClinVar aggregate classification (germline): Uncertain significance (1 of 4 stars; one submission).

Conditions:
Combined oxidative phosphorylation defect type 27. Also called: Combined oxidative phosphorylation deficiency 27. Identifiers: Orphanet 477774, MedGen C5567608, MONDO:0014728, OMIM 616672.

Allele frequency attached by ClinVar (database versions not stated): gnomAD exomes below 0.00001.
gnomAD v4.1: 2 of 1,611,650 alleles (0.00012%); highest among the groups gnomAD compares: Non-Finnish European, 0.00017%; no homozygotes.

Submission:

Labcorp Genetics (formerly Invitae), Labcorp
Classification: Uncertain significance for Combined oxidative phosphorylation defect type 27. Last evaluated: 2022-07-23. Review status: criteria provided, single submitter. Criteria: Invitae Variant Classification Sherloc (09022015). Collection method: clinical testing. Allele origin: germline.
Comment: In summary, the available evidence is currently insufficient to determine the role of this variant in disease. Therefore, it has been classified as a Variant of Uncertain Significance. Algorithms developed to predict the effect of missense changes on protein structure and function (SIFT, PolyPhen-2, Align-GVGD) all suggest that this variant is likely to be disruptive. This variant has not been reported in the literature in individuals affected with CARS2-related conditions. This variant is not present in population databases (gnomAD no frequency). This sequence change replaces alanine, which is neutral and non-polar, with valine, which is neutral and non-polar, at codon 140 of the CARS2 protein (p.Ala140Val).